The following is an entry in ClinVar:

ClinVar aggregate classification (germline): Likely benign. Review status: criteria provided, multiple submitters, no conflicts (2 of 4 stars). 6 submissions from 6 submitters: Likely benign (6). Last evaluated 2026-01-26.

Conditions:
ADGRV1-related disorder. Also called: ADGRV1-related condition; ADGRV1-related disorders.

Allele frequency attached by ClinVar (database versions not stated): gnomAD exomes 0.00005 and 0.00012; ExAC 0.00013; ESP Exome Variant Server 0.00043; gnomAD 0.00044 and 0.00048; TOPMed 0.00054.
gnomAD v4.1: 150 of 1,613,812 alleles (0.0093%); highest among the groups gnomAD compares: African/African-American, 0.18%; no homozygotes.

Submissions (6):

Labcorp Genetics (formerly Invitae), Labcorp
Classification: Likely benign. Last evaluated: 2026-01-26. Review status: criteria provided, single submitter. Criteria: Invitae Variant Classification Sherloc (09022015). Collection method: clinical testing. Allele origin: germline.

PreventionGenetics, part of Exact Sciences
Classification: Likely benign for ADGRV1-related condition. Last evaluated: 2025-03-03. Review status: criteria provided, single submitter. Criteria: ACMG Guidelines, 2015. Collection method: clinical testing. Allele origin: germline.
Comment: This variant is classified as likely benign based on ACMG/AMP sequence variant interpretation guidelines (Richards et al. 2015 PMID: 25741868, with internal and published modifications).

Blueprint Genetics
Classification: Likely benign. Last evaluated: 2024-09-04. Review status: criteria provided, single submitter. Criteria: ACMG Guidelines, 2015. Collection method: clinical testing. Allele origin: germline.

GeneDx
Classification: Likely benign. Last evaluated: 2019-10-30. Review status: criteria provided, single submitter. Criteria: GeneDx Variant Classification Process June 2021. Collection method: clinical testing. Allele origin: germline. Affected: yes.

Athena Diagnostics
Classification: Likely benign. Last evaluated: 2018-09-12. Review status: criteria provided, single submitter. Criteria: Athena Diagnostics Criteria. Collection method: clinical testing. Allele origin: germline.

Laboratory for Molecular Medicine, Mass General Brigham Personalized Medicine
Classification: Likely benign. Last evaluated: 2012-04-30. Review status: criteria provided, single submitter. Criteria: LMM Criteria. Collection method: clinical testing. Allele origin: germline. Observed: 1 variant allele.
Comment: Asn5080Asn in Exon 74 of GPR98: This variant is not expected to have clinical si gnificance because it does not alter an amino acid residue, is not located withi n the splice consensus sequence, and has been identified in 0.1% (4/2912) of Afr ican American chromosomes from a broad population by the NHLBI Exome Sequencing Project.

NM_032119.4(ADGRV1):c.15240T>C (p.Asn5080=)

Gene: ADGRV1 (adhesion G protein-coupled receptor V1; plus strand). Cytogenetic location: 5q14.3.
Variant type: single nucleotide variant.
Coding change: c.15240T>C on transcript NM_032119.4 (MANE Select); coding-DNA position 15240, T replaced by C.
Protein change: p.Asn5080=; no amino-acid change (asparagine 5080 retained).
Molecular consequence: synonymous variant. On other transcripts: non-coding transcript variant (1).
Genome position (GRCh38, 1-based): chr5:90,810,500, T>C. VCF-style: chr5-90810500-T-C. GRCh37 (hg19) VCF-style: chr5-90106317-T-C.
Identifiers: ClinVar variation 227395 (VCV000227395.19), dbSNP rs375911753, ClinGen allele CA3341883.